The following is an entry in ClinVar:

ClinVar aggregate classification (germline): Likely benign (1 of 4 stars; one submission).

Conditions:
RPGR-related disorder. Also called: RPGR-related condition.

Submission:

PreventionGenetics, part of Exact Sciences
Classification: Likely benign for RPGR-related condition. Last evaluated: 2025-08-06. Review status: criteria provided, single submitter. Criteria: ACMG Guidelines, 2015. Collection method: clinical testing. Allele origin: germline.
Comment: This variant is classified as likely benign based on ACMG/AMP sequence variant interpretation guidelines (Richards et al. 2015 PMID: 25741868, with internal and published modifications).

NC_000023.11:g.38269358T>A

Gene: RPGR (retinitis pigmentosa GTPase regulator; minus strand). Cytogenetic location: Xp11.4.
Variant type: single nucleotide variant.
Molecular consequence: 3 prime UTR variant (on NM_000328.3). On other transcripts: non-coding transcript variant (6).
Genome position: GRCh38 VCF-style: chrX-38269358-T-A. GRCh37 (hg19) VCF-style: chrX-38128611-T-A.
Other names: c.*268A>T (NM_000328.3, NM_001367245.1, NM_001367246.1 and 5 more transcripts).
Identifiers: ClinVar variation 4988600 (VCV004988600.1).